The following is an entry in ClinVar:

NM_000428.3(LTBP2):c.797A>G (p.Gln266Arg)

Gene: LTBP2 (latent transforming growth factor beta binding protein 2; minus strand). Cytogenetic location: 14q24.3.
Variant type: single nucleotide variant.
Coding change: c.797A>G on transcript NM_000428.3 (MANE Select); coding-DNA position 797, A replaced by G.
Protein change: p.Gln266Arg; replaces glutamine 266 with arginine.
Molecular consequence: missense variant.
Genome position (GRCh38, 1-based): chr14:74,585,887, T>C on the plus strand (A>G on the coding strand, the complement: LTBP2 is on the minus strand). VCF-style: chr14-74585887-T-C. GRCh37 (hg19) VCF-style: chr14-75052590-T-C.
Other names: c.797A>G (NM_000428.2); short protein forms Q266R.
Identifiers: ClinVar variation 1367239 (VCV001367239.4), dbSNP rs200005203, ClinGen allele CA7270097.
Genomic context (GRCh38, chr14:74,585,887, plus strand): 5'-CCAAGCCCCATGGAGAAGGGGACTTACCCAGCTGGTGGCGACTGTGGTGCGGGCGGCGAC[T>C]GTGGTGCTGGCGGCTGTGCTCTGGCCAAGGTGCCCTCTCCAGCCGCACTGCTCCTGCGCA-3'
Protein context (NP_000419.1, residues 256-276): TLARAQPPAP[Gln266Arg]SPPAPQSPPA

ClinVar aggregate classification (germline): Uncertain significance. Review status: criteria provided, multiple submitters, no conflicts (2 of 4 stars). 2 submissions from 2 submitters: Uncertain significance (2). Last evaluated 2024-06-17.

Conditions:
Inborn genetic diseases. Identifiers: MedGen C0950123, MeSH D030342.

Allele frequency attached by ClinVar (database versions not stated): TOPMed 0.00001; ExAC 0.00004; gnomAD exomes 0.00004; 1000 Genomes Project 0.00020; 1000 Genomes Project 30x 0.00031.
gnomAD v4.1: 15 of 1,613,782 alleles (0.00093%); highest among the groups gnomAD compares: Admixed American, 0.023%; no homozygotes.

Submissions (2):

Ambry Genetics
Classification: Uncertain significance for Inborn genetic diseases. Last evaluated: 2024-06-17. Review status: criteria provided, single submitter. Criteria: Ambry Variant Classification Scheme 2023. Collection method: clinical testing. Allele origin: germline.

Labcorp Genetics (formerly Invitae), Labcorp
Classification: Uncertain significance. Last evaluated: 2022-09-01. Review status: criteria provided, single submitter. Criteria: Invitae Variant Classification Sherloc (09022015). Collection method: clinical testing. Allele origin: germline.
Comment: This sequence change replaces glutamine, which is neutral and polar, with arginine, which is basic and polar, at codon 266 of the LTBP2 protein (p.Gln266Arg). This variant is present in population databases (rs200005203, gnomAD 0.03%). This variant has not been reported in the literature in individuals affected with LTBP2-related conditions. ClinVar contains an entry for this variant (Variation ID: 1367239). Algorithms developed to predict the effect of missense changes on protein structure and function output the following: SIFT: "Tolerated"; PolyPhen-2: "Benign"; Align-GVGD: "Class C0". The arginine amino acid residue is found in multiple mammalian species, which suggests that this missense change does not adversely affect protein function. In summary, the available evidence is currently insufficient to determine the role of this variant in disease. Therefore, it has been classified as a Variant of Uncertain Significance.